The following is an entry in ClinVar:

ClinVar aggregate classification (germline): Uncertain significance (1 of 4 stars; one submission).

Allele frequency attached by ClinVar (database versions not stated): gnomAD exomes below 0.00001; gnomAD 0.00001; TOPMed 0.00001.
gnomAD v4.1: 3 of 1,614,030 alleles (0.00019%); highest among the groups gnomAD compares: Non-Finnish European, 0.00025%; no homozygotes.

Submission:

Labcorp Genetics (formerly Invitae), Labcorp
Classification: Uncertain significance. Last evaluated: 2022-11-08. Review status: criteria provided, single submitter. Criteria: Invitae Variant Classification Sherloc (09022015). Collection method: clinical testing. Allele origin: germline.
Comment: This sequence change replaces isoleucine, which is neutral and non-polar, with asparagine, which is neutral and polar, at codon 2124 of the FLNB protein (p.Ile2124Asn). This variant is not present in population databases (gnomAD no frequency). This variant has not been reported in the literature in individuals affected with FLNB-related conditions. Advanced modeling of protein sequence and biophysical properties (such as structural, functional, and spatial information, amino acid conservation, physicochemical variation, residue mobility, and thermodynamic stability) performed at Invitae indicates that this missense variant is not expected to disrupt FLNB protein function. In summary, the available evidence is currently insufficient to determine the role of this variant in disease. Therefore, it has been classified as a Variant of Uncertain Significance.

NM_001457.4(FLNB):c.6371T>A (p.Ile2124Asn)

Gene: FLNB (filamin B; plus strand). Cytogenetic location: 3p14.3.
Variant type: single nucleotide variant.
Coding change: c.6371T>A on transcript NM_001457.4 (MANE Select); coding-DNA position 6371, T replaced by A.
Protein change: p.Ile2124Asn; replaces isoleucine 2124 with asparagine.
Molecular consequence: missense variant.
Genome position (GRCh38, 1-based): chr3:58,153,378, T>A. VCF-style: chr3-58153378-T-A. GRCh37 (hg19) VCF-style: chr3-58139105-T-A.
Other names: c.6464T>A, p.Ile2155Asn (NM_001164317.2); c.6338T>A, p.Ile2113Asn (NM_001164318.2); c.6299T>A, p.Ile2100Asn (NM_001164319.2); short protein forms I2100N, I2113N, I2124N, I2155N.
Identifiers: ClinVar variation 3004783 (VCV003004783.3), dbSNP rs1414111050, ClinGen allele CA353359179.